The following is an entry in ClinVar:

NM_032043.3(BRIP1):c.2636_2637delinsTG (p.Glu879Val)

Gene: BRIP1 (BRCA1 interacting DNA helicase 1; minus strand). Cytogenetic location: 17q23.2.
Variant type: Indel.
Coding change: c.2636_2637delinsTG on transcript NM_032043.3 (MANE Select); coding-DNA positions 2636 to 2637, AA replaced by TG.
Protein change: p.Glu879Val; replaces glutamic acid 879 with valine.
Molecular consequence: missense variant.
Genome position (GRCh38, 1-based): chr17:61,686,104-61,686,105, TT replaced by CA on the plus strand (AA replaced by TG on the coding strand, the reverse complement: BRIP1 is on the minus strand). VCF-style: chr17-61686104-TT-CA. GRCh37 (hg19) VCF-style: chr17-59763465-TT-CA.
Other names: short protein forms E879V.
Identifiers: ClinVar variation 1794114 (VCV001794114.2), dbSNP rs2544573901, ClinGen allele CA2580094468.

ClinVar aggregate classification (germline): Uncertain significance (1 of 4 stars; one submission).

Conditions:
Hereditary cancer-predisposing syndrome. Also called: Tumor predisposition; Hereditary Cancer Syndrome; Neoplastic Syndromes, Hereditary; Hereditary neoplastic syndrome. Identifiers: Orphanet 140162, MedGen C0027672, MeSH D009386, MONDO:0015356.

Submission:

Ambry Genetics
Classification: Uncertain significance for Hereditary cancer-predisposing syndrome. Last evaluated: 2022-06-08. Review status: criteria provided, single submitter. Criteria: Ambry Variant Classification Scheme 2023. Collection method: clinical testing. Allele origin: germline.
Comment: The c.2636_2637delAAinsTG variant (also known as p.E879V), located in coding exon 18 of the BRIP1 gene, results from an in-frame deletion of AA and insertion of TG at nucleotide positions 2636 to 2637. This results in the substitution of the glutamic acid residue for a valine residue at codon 879, an amino acid with dissimilar properties. This amino acid position is not well conserved in available vertebrate species. In addition, the in silico prediction for this alteration is inconclusive (Choi Y et al. PLoS ONE. 2012; 7(10):e46688). Since supporting evidence is limited at this time, the clinical significance of this alteration remains unclear.